The following is an entry in ClinVar:

ClinVar aggregate classification (germline): Benign/Likely benign. Review status: criteria provided, multiple submitters, no conflicts (2 of 4 stars). 9 submissions from 9 submitters: Benign (7); Likely benign (2). Last evaluated 2026-02-04.

Conditions:
Walker-Warburg congenital muscular dystrophy. Also called: Muscular dystrophy-dystroglycanopathy, type A; Walker-Warburg syndrome. Identifiers: Orphanet 899, MedGen C0265221, MONDO:0000171.
Muscular dystrophy-dystroglycanopathy (congenital with impaired intellectual development), type B, 1. Also called: Muscular dystrophy-dystroglycanopathy (congenital with intellectual disability), type B1; MUSCULAR DYSTROPHY, CONGENITAL, POMT1-RELATED. Identifiers: MedGen C5436962, MONDO:0013159, OMIM 613155.
Autosomal recessive limb-girdle muscular dystrophy type 2K. Also called: MUSCULAR DYSTROPHY, LIMB-GIRDLE, TYPE 2K; MUSCULAR DYSTROPHY-DYSTROGLYCANOPATHY (LIMB-GIRDLE), TYPE C, 1. Identifiers: Orphanet 86812, MedGen C1836373, MONDO:0012248, OMIM 609308.

Allele frequency attached by ClinVar (database versions not stated): ESP Exome Variant Server 0.00100; gnomAD exomes 0.00346 and 0.01374; gnomAD 0.00616 and 0.00651; ExAC 0.01038; TOPMed 0.01139; 1000 Genomes Project 30x 0.01312; 1000 Genomes Project 0.01318.
gnomAD v4.1: 6,043 of 1,613,924 alleles (0.37%); highest among the groups gnomAD compares: Admixed American, 7.6%; 250 homozygotes.

Submissions (9):

Labcorp Genetics (formerly Invitae), Labcorp
Classification: Benign for Muscular dystrophy-dystroglycanopathy (congenital with impaired intellectual development), type B, 1; Walker-Warburg congenital muscular dystrophy; Autosomal recessive limb-girdle muscular dystrophy type 2K. Last evaluated: 2026-02-04. Review status: criteria provided, single submitter. Criteria: Invitae Variant Classification Sherloc (09022015). Collection method: clinical testing. Allele origin: germline.

Mayo Clinic Laboratories, Mayo Clinic
Classification: Benign. Last evaluated: 2019-03-19. Review status: criteria provided, single submitter. Criteria: ACMG Guidelines, 2015. Collection method: clinical testing. Allele origin: germline. Observed: 24 variant alleles.

Illumina Laboratory Services, Illumina
Classification: Benign for Autosomal recessive limb-girdle muscular dystrophy type 2K. Last evaluated: 2018-01-13. Review status: criteria provided, single submitter. Criteria: ICSL Variant Classification Criteria 13 December 2019. Collection method: clinical testing. Allele origin: germline.
Comment: This variant was observed in the ICSL laboratory as part of a predisposition screen in an ostensibly healthy population. It had not been previously curated by ICSL or reported in the Human Gene Mutation Database (HGMD: prior to June 1st, 2018), and was therefore a candidate for classification through an automated scoring system. Utilizing variant allele frequency, disease prevalence and penetrance estimates, and inheritance mode, an automated score was calculated to assess if this variant is too frequent to cause the disease. Based on the score and internal cut-off values, a variant classified as benign is not then subjected to further curation. The score for this variant resulted in a classification of benign for this disease.

Athena Diagnostics
Classification: Benign. Last evaluated: 2017-12-15. Review status: criteria provided, single submitter. Criteria: Athena Diagnostics Criteria. Collection method: clinical testing. Allele origin: germline.

GeneDx
Classification: Benign. Last evaluated: 2014-07-31. Review status: criteria provided, single submitter. Criteria: GeneDx Variant Classification (06012015). Collection method: clinical testing. Allele origin: germline. Affected: yes.
Comment: This variant is considered likely benign or benign based on one or more of the following criteria: it is a conservative change, it occurs at a poorly conserved position in the protein, it is predicted to be benign by multiple in silico algorithms, and/or has population frequency not consistent with disease.

Eurofins Ntd Llc (ga)
Classification: Benign. Last evaluated: 2013-10-18. Review status: criteria provided, single submitter. Criteria: EGL Classification Definitions 2015. Collection method: clinical testing. Allele origin: germline. Observed: 4 variant alleles, 3 heterozygotes, 1 homozygote.

Genetic Services Laboratory, University of Chicago
Classification: Benign for AllHighlyPenetrant. Last evaluated: 2013-05-10. Review status: criteria provided, single submitter. Criteria: ACMG Guidelines, 2007. Collection method: clinical testing. Allele origin: germline. Inheritance: Autosomal recessive inheritance.

Breakthrough Genomics
Classification: Likely benign. Review status: criteria provided, single submitter. Criteria: ACMG Guidelines, 2015. Collection method: not provided. Allele origin: germline. Inheritance: Autosomal recessive inheritance. Affected: yes.

PreventionGenetics, part of Exact Sciences
Classification: Likely benign. Review status: criteria provided, single submitter. Criteria: ACMG Guidelines, 2015. Collection method: clinical testing. Allele origin: germline.

NM_001077365.2(POMT1):c.891G>A (p.Leu297=)

Gene: POMT1 (protein O-mannosyltransferase 1; plus strand). Cytogenetic location: 9q34.13.
Variant type: single nucleotide variant.
Coding change: c.891G>A on transcript NM_001077365.2 (MANE Select); coding-DNA position 891, G replaced by A.
Protein change: p.Leu297=; no amino-acid change (leucine 297 retained).
Molecular consequence: synonymous variant. On other transcripts: missense variant (1), non-coding transcript variant (10).
Genome position (GRCh38, 1-based): chr9:131,511,372, G>A. VCF-style: chr9-131511372-G-A. GRCh37 (hg19) VCF-style: chr9-134386759-G-A.
Other names: p.L319L:CTG>CTA; p.Leu319=; c.729G>A, p.Leu243= (NM_001077366.2, NM_001353194.2, NM_001374693.1); c.891G>A, p.Leu297= (NM_001136113.2, NM_001374690.1); c.540G>A, p.Leu180= (NM_001136114.2, NM_001353195.2, NM_001374691.1 and 1 more transcripts); c.957G>A, p.Leu319= (NM_001353193.2, NM_007171.4); c.801G>A, p.Leu267= (NM_001353196.2); c.795G>A, p.Leu265= (NM_001353197.2, NM_001353198.2); and 4 more; short protein forms G292R.
Identifiers: ClinVar variation 95470 (VCV000095470.26), dbSNP rs76109289, ClinGen allele CA148559.